The following is an entry in ClinVar:

NM_153240.5(NPHP3):c.2810A>G (p.Asp937Gly)

Genes: NPHP3-ACAD11 (NPHP3-ACAD11 readthrough (NMD candidate); minus strand), NPHP3 (nephrocystin 3; minus strand). Cytogenetic location: 3q22.1.
Variant type: single nucleotide variant.
Coding change: c.2810A>G on transcript NM_153240.5 (MANE Select); coding-DNA position 2810, A replaced by G.
Protein change: p.Asp937Gly; replaces aspartic acid 937 with glycine.
Molecular consequence: missense variant. On other transcripts: non-coding transcript variant (1).
Genome position (GRCh38, 1-based): chr3:132,689,147, T>C on the plus strand (A>G on the coding strand, the complement: NPHP3 is on the minus strand). VCF-style: chr3-132689147-T-C. GRCh37 (hg19) VCF-style: chr3-132407991-T-C.
Other names: c.2810A>G (NM_153240.4); short protein forms D937G.
Identifiers: ClinVar variation 1059536 (VCV001059536.9), dbSNP rs1231984938, ClinGen allele CA354580420.

ClinVar aggregate classification (germline): Uncertain significance. Review status: criteria provided, multiple submitters, no conflicts (2 of 4 stars). 2 submissions from 2 submitters: Uncertain significance (2). Last evaluated 2024-10-29.

Conditions:
Inborn genetic diseases. Identifiers: MedGen C0950123, MeSH D030342.
Nephronophthisis. Also called: Juvenile Nephronophthisis. Identifiers: Orphanet 655, MedGen C0687120, MONDO:0019005, HP:0000090.

Allele frequency attached by ClinVar (database versions not stated): gnomAD exomes 0.00001; gnomAD 0.00002; TOPMed 0.00002.
gnomAD v4.1: 12 of 1,614,074 alleles (0.00074%); highest among the groups gnomAD compares: Non-Finnish European, 0.00093%; no homozygotes.

Submissions (2):

Labcorp Genetics (formerly Invitae), Labcorp
Classification: Uncertain significance for Nephronophthisis. Last evaluated: 2024-10-29. Review status: criteria provided, single submitter. Criteria: Invitae Variant Classification Sherloc (09022015). Collection method: clinical testing. Allele origin: germline.
Comment: This sequence change replaces aspartic acid, which is acidic and polar, with glycine, which is neutral and non-polar, at codon 937 of the NPHP3 protein (p.Asp937Gly). This variant is present in population databases (no rsID available, gnomAD 0.002%). This variant has not been reported in the literature in individuals affected with NPHP3-related conditions. ClinVar contains an entry for this variant (Variation ID: 1059536). Invitae Evidence Modeling of protein sequence and biophysical properties (such as structural, functional, and spatial information, amino acid conservation, physicochemical variation, residue mobility, and thermodynamic stability) indicates that this missense variant is not expected to disrupt NPHP3 protein function with a negative predictive value of 80%. In summary, the available evidence is currently insufficient to determine the role of this variant in disease. Therefore, it has been classified as a Variant of Uncertain Significance.

Ambry Genetics
Classification: Uncertain significance for Inborn genetic diseases. Last evaluated: 2024-07-30. Review status: criteria provided, single submitter. Criteria: Ambry Variant Classification Scheme 2023. Collection method: clinical testing. Allele origin: germline.